The following is an entry in ClinVar:

ClinVar aggregate classification (germline): Uncertain significance. Review status: criteria provided, multiple submitters, no conflicts (2 of 4 stars). 2 submissions from 2 submitters: Uncertain significance (2). Last evaluated 2023-09-15.

Conditions:
Alstrom syndrome (ALMS). Identifiers: Orphanet 64, MedGen C0268425, MONDO:0008763, OMIM 203800.
Cardiovascular phenotype. Identifiers: MedGen CN230736.

Submissions (2):

Ambry Genetics
Classification: Uncertain significance for Cardiovascular phenotype. Last evaluated: 2023-09-15. Review status: criteria provided, single submitter. Criteria: Ambry Variant Classification Scheme 2023. Collection method: clinical testing. Allele origin: germline.
Comment: The p.H3854Q variant (also known as c.11562T>G), located in coding exon 17 of the ALMS1 gene, results from a T to G substitution at nucleotide position 11562. The histidine at codon 3854 is replaced by glutamine, an amino acid with highly similar properties. This amino acid position is not well conserved in available vertebrate species. In addition, this alteration is predicted to be tolerated by in silico analysis. Since supporting evidence is limited at this time, the clinical significance of this alteration remains unclear.

Labcorp Genetics (formerly Invitae), Labcorp
Classification: Uncertain significance for Alstrom syndrome. Last evaluated: 2022-03-22. Review status: criteria provided, single submitter. Criteria: Invitae Variant Classification Sherloc (09022015). Collection method: clinical testing. Allele origin: germline.
Comment: This sequence change replaces histidine, which is basic and polar, with glutamine, which is neutral and polar, at codon 3854 of the ALMS1 protein (p.His3854Gln). This variant is not present in population databases (gnomAD no frequency). This variant has not been reported in the literature in individuals affected with ALMS1-related conditions. Experimental studies and prediction algorithms are not available or were not evaluated, and the functional significance of this variant is currently unknown. In summary, the available evidence is currently insufficient to determine the role of this variant in disease. Therefore, it has been classified as a Variant of Uncertain Significance.

NM_001378454.1(ALMS1):c.11559T>G (p.His3853Gln)

Gene: ALMS1 (ALMS1 centrosome and basal body associated protein; plus strand). Cytogenetic location: 2p13.1.
Variant type: single nucleotide variant.
Coding change: c.11559T>G on transcript NM_001378454.1 (MANE Select); coding-DNA position 11559, T replaced by G.
Protein change: p.His3853Gln; replaces histidine 3853 with glutamine.
Molecular consequence: missense variant.
Genome position (GRCh38, 1-based): chr2:73,599,412, T>G. VCF-style: chr2-73599412-T-G. GRCh37 (hg19) VCF-style: chr2-73826539-T-G.
Other names: c.11562T>G, p.His3854Gln (NM_015120.4); short protein forms H3853Q, H3854Q.
Identifiers: ClinVar variation 1419302 (VCV001419302.4), dbSNP rs186141821, ClinGen allele CA347262756.